The following is an entry in ClinVar:

NM_022893.4(BCL11A):c.1077C>A (p.Pro359=)

Gene: BCL11A (BCL11 transcription factor A; minus strand). Cytogenetic location: 2p16.1.
Variant type: single nucleotide variant.
Coding change: c.1077C>A on transcript NM_022893.4 (MANE Select); coding-DNA position 1077, C replaced by A.
Protein change: p.Pro359=; no amino-acid change (proline 359 retained).
Molecular consequence: synonymous variant. On other transcripts: intron variant (9).
Genome position (GRCh38, 1-based): chr2:60,461,835, G>T on the plus strand (C>A on the coding strand, the complement: BCL11A is on the minus strand). VCF-style: chr2-60461835-G-T. GRCh37 (hg19) VCF-style: chr2-60688970-G-T.
Other names: c.975C>A, p.Pro325= (NM_001363864.1, NM_001365609.1, NM_001405711.1 and 2 more transcripts); c.1077C>A, p.Pro359= (NM_001405708.1, NM_001405709.1, NM_001405710.1 and 1 more transcripts); c.921C>A, p.Pro307= (NM_001405713.1, NM_001405714.1, NM_001405715.1 and 3 more transcripts); c.819C>A, p.Pro273= (NM_001405717.1, NM_001405718.1, NM_001405724.1); c.744C>A, p.Pro248= (NM_001405720.1, NM_001405721.1); c.621C>A, p.Pro207= (NM_001405725.1, NM_001405726.1, NM_001405727.1 and 1 more transcripts); c.630+447C>A (NM_138559.2, NM_001405732.1); c.528+447C>A (NM_001405733.1); and 5 more.
Identifiers: ClinVar variation 3035068 (VCV003035068.2), dbSNP rs770055773, ClinGen allele CA1671164.

ClinVar aggregate classification (germline): Likely benign (0 of 4 stars; one submission).

Conditions:
BCL11A-related disorder. Also called: BCL11A-related condition.

Submission:

PreventionGenetics, part of Exact Sciences
Classification: Likely benign for BCL11A-related condition. Last evaluated: 2019-09-18. Review status: no assertion criteria provided. Collection method: clinical testing. Allele origin: germline.
Comment: This variant is classified as likely benign based on ACMG/AMP sequence variant interpretation guidelines (Richards et al. 2015 PMID: 25741868, with internal and published modifications).